The following is an entry in ClinVar:

ClinVar aggregate classification (germline): Pathogenic (1 of 4 stars; one submission).

Conditions:
Peroxisome biogenesis disorder. Identifiers: Orphanet 79189, MedGen C1832200, MONDO:0019234. Disease mechanism: loss of function.

Submission:

Myriad Genetics, Inc.
Classification: Pathogenic for Peroxisome biogenesis disorder. Last evaluated: 2026-03-10. Review status: criteria provided, single submitter. Criteria: Myriad Autosomal Dominant, Autosomal Recessive and X-Linked Classification Criteria (2023). Collection method: clinical testing. Allele origin: unknown.
Comment: NM_000286.2(PEX12):c.17delC(A6Vfs*19) is a frameshift variant classified as pathogenic in the context of peroxisome biogenesis disorder type 3. A6Vfs*19 has not been observed in cases with relevant disease. Relevant functional assessments of this variant are not available in the literature. A6Vfs*19 has not been observed in referenced population frequency databases. In summary, NM_000286.2(PEX12):c.17delC(A6Vfs*19) is a frameshift variant in a gene where loss of function is a known mechanism of disease and is predicted to disrupt protein function. Please note: this variant was assessed in the context of healthy population screening.

NM_000286.3(PEX12):c.17del (p.Ala6fs)

Gene: PEX12 (peroxisomal biogenesis factor 12; minus strand). Cytogenetic location: 17q12.
Variant type: Deletion.
Coding change: c.17del on transcript NM_000286.3 (MANE Select); coding-DNA position 17, one base deleted (C; older notation c.17delC).
Protein change: p.Ala6fs; shifts the reading frame from alanine 6.
Molecular consequence: frameshift variant.
Genome position (GRCh38, 1-based): chr17:35,578,005, G deleted on the plus strand (C on the coding strand, the reverse complement: PEX12 is on the minus strand). VCF-style (leftmost placement, unchanged base first): chr17-35578004-AG-A. GRCh37 (hg19) VCF-style: chr17-33905023-AG-A.
Other names: short protein forms A6fs.
Identifiers: ClinVar variation 5004454 (VCV005004454.1).